The following is an entry in ClinVar:

NM_199420.4(POLQ):c.3943C>G (p.Leu1315Val)

Gene: POLQ (DNA polymerase theta; minus strand). Cytogenetic location: 3q13.33.
Variant type: single nucleotide variant.
Coding change: c.3943C>G on transcript NM_199420.4 (MANE Select); coding-DNA position 3943, C replaced by G.
Protein change: p.Leu1315Val; replaces leucine 1315 with valine.
Molecular consequence: missense variant.
Genome position (GRCh38, 1-based): chr3:121,488,988, G>C on the plus strand (C>G on the coding strand, the complement: POLQ is on the minus strand). VCF-style: chr3-121488988-G-C. GRCh37 (hg19) VCF-style: chr3-121207835-G-C.
Other names: short protein forms L1315V.
Identifiers: ClinVar variation 2449023 (VCV002449023.2), dbSNP rs1451315164, ClinGen allele CA354096592.

ClinVar aggregate classification (germline): Uncertain significance (1 of 4 stars; one submission).

gnomAD v4.1: 1 of 1,613,080 alleles (0.000062%); no homozygotes.

Submission:

Ambry Genetics
Classification: Uncertain significance. Last evaluated: 2023-02-23. Review status: criteria provided, single submitter. Criteria: Ambry Variant Classification Scheme 2023. Collection method: clinical testing. Allele origin: germline.
Comment: The p.L1315V variant (also known as c.3943C>G), located in coding exon 16 of the POLQ gene, results from a C to G substitution at nucleotide position 3943. The leucine at codon 1315 is replaced by valine, an amino acid with highly similar properties. This amino acid position is conserved. In addition, this alteration is predicted to be tolerated by in silico analysis. Since supporting evidence is limited at this time, the clinical significance of this alteration remains unclear.